The following is an entry in ClinVar:

ClinVar aggregate classification (germline): Likely benign. Review status: criteria provided, single submitter (1 of 4 stars). 2 submissions from 2 submitters: Likely benign (1). 1 of the submissions does not count toward it. Last evaluated 2019-02-16.

Conditions:
PTPN11-related disorder. Also called: PTPN11-Related Disorders.
Cardiovascular phenotype. Identifiers: MedGen CN230736.

Allele frequency attached by ClinVar (database versions not stated): gnomAD exomes below 0.00001.
gnomAD v4.1: 1 of 1,614,064 alleles (0.000062%); highest among the groups gnomAD compares: Non-Finnish European, 0.000085%; no homozygotes.

Submissions (2):

Ambry Genetics
Classification: Likely benign for Cardiovascular phenotype. Last evaluated: 2019-02-16. Review status: criteria provided, single submitter. Criteria: Ambry Variant Classification Scheme 2023. Collection method: clinical testing. Allele origin: germline.

PreventionGenetics, part of Exact Sciences
Classification: Likely benign for PTPN11-related condition. Last evaluated: 2022-07-08. Review status: no assertion criteria provided. Collection method: clinical testing. Allele origin: germline. Not counted in ClinVar's aggregate classification.
Comment: This variant is classified as likely benign based on ACMG/AMP sequence variant interpretation guidelines (Richards et al. 2015 PMID: 25741868, with internal and published modifications).

NM_002834.5(PTPN11):c.285C>A (p.Val95=)

Gene: PTPN11 (protein tyrosine phosphatase non-receptor type 11; plus strand). Cytogenetic location: 12q24.13.
Variant type: single nucleotide variant.
Coding change: c.285C>A on transcript NM_002834.5 (MANE Select); coding-DNA position 285, C replaced by A.
Protein change: p.Val95=; no amino-acid change (valine 95 retained).
Molecular consequence: synonymous variant.
Genome position (GRCh38, 1-based): chr12:112,450,465, C>A. VCF-style: chr12-112450465-C-A. GRCh37 (hg19) VCF-style: chr12-112888269-C-A.
Other names: c.282C>A, p.Val94= (NM_001374625.1); c.285C>A, p.Val95= (NM_080601.3, NM_001330437.2); c.285C>A (NM_002834.4).
Identifiers: ClinVar variation 1796920 (VCV001796920.4), dbSNP rs2135862812, ClinGen allele CA481881864.